The following is an entry in ClinVar:

NM_004341.5(CAD):c.4940A>G (p.His1647Arg)

Gene: CAD (carbamoyl-phosphate synthetase 2, aspartate transcarbamylase, and dihydroorotase; plus strand). Cytogenetic location: 2p23.3.
Variant type: single nucleotide variant.
Coding change: c.4940A>G on transcript NM_004341.5 (MANE Select); coding-DNA position 4940, A replaced by G.
Protein change: p.His1647Arg; replaces histidine 1647 with arginine.
Molecular consequence: missense variant.
Genome position (GRCh38, 1-based): chr2:27,238,510, A>G. VCF-style: chr2-27238510-A-G. GRCh37 (hg19) VCF-style: chr2-27461378-A-G.
Other names: c.4751A>G, p.His1584Arg (NM_001306079.2); short protein forms H1647R, H1584R.
Identifiers: ClinVar variation 2115783 (VCV002115783.2), dbSNP rs778214838, ClinGen allele CA1573701.

ClinVar aggregate classification (germline): Uncertain significance (1 of 4 stars; one submission).

Allele frequency attached by ClinVar (database versions not stated): gnomAD exomes 0.00001; ExAC 0.00004.
gnomAD v4.1: 17 of 1,613,620 alleles (0.0011%); highest among the groups gnomAD compares: South Asian, 0.015%; 1 homozygote.

Submission:

Labcorp Genetics (formerly Invitae), Labcorp
Classification: Uncertain significance. Last evaluated: 2023-10-22. Review status: criteria provided, single submitter. Criteria: Invitae Variant Classification Sherloc (09022015). Collection method: clinical testing. Allele origin: germline.
Comment: This sequence change replaces histidine, which is basic and polar, with arginine, which is basic and polar, at codon 1647 of the CAD protein (p.His1647Arg). This variant is present in population databases (rs778214838, gnomAD 0.03%), including at least one homozygous and/or hemizygous individual. This variant has not been reported in the literature in individuals affected with CAD-related conditions. ClinVar contains an entry for this variant (Variation ID: 2115783). Algorithms developed to predict the effect of missense changes on protein structure and function output the following: SIFT: "Not Available"; PolyPhen-2: "Benign"; Align-GVGD: "Not Available". The arginine amino acid residue is found in multiple mammalian species, which suggests that this missense change does not adversely affect protein function. In summary, the available evidence is currently insufficient to determine the role of this variant in disease. Therefore, it has been classified as a Variant of Uncertain Significance.